The following is an entry in ClinVar:

ClinVar aggregate classification (germline): Uncertain significance (1 of 4 stars; one submission).

Conditions:
Cardiovascular phenotype. Identifiers: MedGen CN230736.

gnomAD v4.1: 3 of 1,613,484 alleles (0.00019%); highest among the groups gnomAD compares: Non-Finnish European, 0.00025%; no homozygotes.

Submission:

Ambry Genetics
Classification: Uncertain significance for Cardiovascular phenotype. Last evaluated: 2022-04-25. Review status: criteria provided, single submitter. Criteria: Ambry Variant Classification Scheme 2023. Collection method: clinical testing. Allele origin: germline.
Comment: The p.E117D variant (also known as c.351G>C), located in coding exon 3 of the EPHB4 gene, results from a G to C substitution at nucleotide position 351. The glutamic acid at codon 117 is replaced by aspartic acid, an amino acid with highly similar properties. This amino acid position is conserved. In addition, this alteration is predicted to be tolerated by in silico analysis. Since supporting evidence is limited at this time, the clinical significance of this alteration remains unclear.

NM_004444.5(EPHB4):c.351G>C (p.Glu117Asp)

Gene: EPHB4 (EPH receptor B4; minus strand). Cytogenetic location: 7q22.1.
Variant type: single nucleotide variant.
Coding change: c.351G>C on transcript NM_004444.5 (MANE Select); coding-DNA position 351, G replaced by C.
Protein change: p.Glu117Asp; replaces glutamic acid 117 with aspartic acid.
Molecular consequence: missense variant.
Genome position (GRCh38, 1-based): chr7:100,823,704, C>G on the plus strand (G>C on the coding strand, the complement: EPHB4 is on the minus strand). VCF-style: chr7-100823704-C-G. GRCh37 (hg19) VCF-style: chr7-100421326-C-G.
Other names: short protein forms E117D.
Identifiers: ClinVar variation 1732254 (VCV001732254.2), dbSNP rs767722877, ClinGen allele CA368582569.